The following is an entry in ClinVar:

ClinVar aggregate classification (germline): Uncertain significance (1 of 4 stars; one submission).

Conditions:
Neurofibromatosis, type 1 (NF1). Also called: Peripheral type neurofibromatosis; VON RECKLINGHAUSEN DISEASE; NEUROFIBROMATOSIS, TYPE I, SOMATIC; Neurofibromatosis, type I. Identifiers: Orphanet 636, MedGen C0027831, MONDO:0018975, OMIM 162200. Disease mechanism: loss of function.

Submission:

Labcorp Genetics (formerly Invitae), Labcorp
Classification: Uncertain significance for Neurofibromatosis, type 1. Last evaluated: 2024-06-12. Review status: criteria provided, single submitter. Criteria: Invitae Variant Classification Sherloc (09022015). Collection method: clinical testing. Allele origin: germline.
Comment: This sequence change creates a premature translational stop signal (p.Asn2759Lysfs*21) in the NF1 gene. While this is not anticipated to result in nonsense mediated decay, it is expected to disrupt the last 60 amino acid(s) of the NF1 protein. This variant is not present in population databases (gnomAD no frequency). This variant has not been reported in the literature in individuals affected with NF1-related conditions. Experimental studies and prediction algorithms are not available or were not evaluated, and the functional significance of this variant is currently unknown. In summary, the available evidence is currently insufficient to determine the role of this variant in disease. Therefore, it has been classified as a Variant of Uncertain Significance.

NM_001042492.3(NF1):c.8339dup (p.Asn2780fs)

Gene: NF1 (neurofibromin 1; plus strand). Cytogenetic location: 17q11.2.
Variant type: Duplication.
Coding change: c.8339dup on transcript NM_001042492.3 (MANE Select); coding-DNA position 8339, one base duplicated (A; older notation c.8339dupA).
Protein change: p.Asn2780fs; shifts the reading frame from asparagine 2780.
Molecular consequence: frameshift variant.
Genome position (GRCh38, 1-based): chr17:31,360,665, A duplicated; the last of 2 consecutive A bases (chr17:31,360,664-31,360,665); duplicating either gives the same sequence. VCF-style (leftmost placement, unchanged base first): chr17-31360663-T-TA. GRCh37 (hg19) VCF-style: chr17-29687681-T-TA.
Other names: c.8276dup, p.Asn2759Lysfs (NM_000267.4); short protein forms N2780fs, N2759fs.
Identifiers: ClinVar variation 3656369 (VCV003656369.2).
Genomic context (GRCh38, chr17:31,360,663, plus strand): 5'-ATCTCCTTACCCTCCTGCACTGCAGAGCCAGCTTAGTATCACTGCCAACCTTAACCTTTC[T>TA]AATTCCATGACCTCACTTGCAACTTCCCAGCATTCCCCAGGTCAGTAAATGTGATCTTTA-3'